The following is an entry in ClinVar:

NM_003265.3(TLR3):c.2530C>G (p.Leu844Val)

Gene: TLR3 (toll like receptor 3; plus strand). Cytogenetic location: 4q35.1.
Variant type: single nucleotide variant.
Coding change: c.2530C>G on transcript NM_003265.3 (MANE Select); coding-DNA position 2530, C replaced by G.
Protein change: p.Leu844Val; replaces leucine 844 with valine.
Molecular consequence: missense variant.
Genome position (GRCh38, 1-based): chr4:186,084,688, C>G. VCF-style: chr4-186084688-C-G. GRCh37 (hg19) VCF-style: chr4-187005842-C-G.
Other names: short protein forms L844V.
Identifiers: ClinVar variation 1407984 (VCV001407984.8), dbSNP rs2150068353, ClinGen allele CA358937680.

ClinVar aggregate classification (germline): Uncertain significance (1 of 4 stars; one submission).

Conditions:
Encephalopathy, acute, infection-induced (herpes-specific), susceptibility to, 1. Also called: Herpes simplex encephalitis, susceptibility to, 1. Identifiers: Orphanet 1930, MedGen C2750180, MONDO:0024563, OMIM 610551.

Submission:

Labcorp Genetics (formerly Invitae), Labcorp
Classification: Uncertain significance for Encephalopathy, acute, infection-induced (herpes-specific), susceptibility to, 1. Last evaluated: 2022-08-24. Review status: criteria provided, single submitter. Criteria: Invitae Variant Classification Sherloc (09022015). Collection method: clinical testing. Allele origin: germline.
Comment: In summary, the available evidence is currently insufficient to determine the role of this variant in disease. Therefore, it has been classified as a Variant of Uncertain Significance. Algorithms developed to predict the effect of missense changes on protein structure and function are either unavailable or do not agree on the potential impact of this missense change (SIFT: "Tolerated"; PolyPhen-2: "Possibly Damaging"; Align-GVGD: "Class C0"). ClinVar contains an entry for this variant (Variation ID: 1407984). This variant has not been reported in the literature in individuals affected with TLR3-related conditions. This variant is not present in population databases (gnomAD no frequency). This sequence change replaces leucine, which is neutral and non-polar, with valine, which is neutral and non-polar, at codon 844 of the TLR3 protein (p.Leu844Val).